The following is an entry in ClinVar:

ClinVar aggregate classification (germline): Uncertain significance (1 of 4 stars; one submission).

Conditions:
Hypertrophic cardiomyopathy. Also called: HYPERTROPHIC MYOCARDIOPATHY. Identifiers: Orphanet 217569, MedGen C0007194, MeSH D002312, MONDO:0005045, HP:0001639.

Submission:

Labcorp Genetics (formerly Invitae), Labcorp
Classification: Uncertain significance for Hypertrophic cardiomyopathy. Last evaluated: 2024-03-03. Review status: criteria provided, single submitter. Criteria: Invitae Variant Classification Sherloc (09022015). Collection method: clinical testing. Allele origin: germline.
Comment: This sequence change replaces methionine, which is neutral and non-polar, with lysine, which is basic and polar, at codon 1067 of the MYH7 protein (p.Met1067Lys). This variant is not present in population databases (gnomAD no frequency). This variant has not been reported in the literature in individuals affected with MYH7-related conditions. Advanced modeling of protein sequence and biophysical properties (such as structural, functional, and spatial information, amino acid conservation, physicochemical variation, residue mobility, and thermodynamic stability) performed at Invitae indicates that this missense variant is expected to disrupt MYH7 protein function with a positive predictive value of 95%. In summary, the available evidence is currently insufficient to determine the role of this variant in disease. Therefore, it has been classified as a Variant of Uncertain Significance.

NM_000257.4(MYH7):c.3200T>A (p.Met1067Lys)

Gene: MYH7 (myosin heavy chain 7; minus strand). Cytogenetic location: 14q11.2.
Variant type: single nucleotide variant.
Coding change: c.3200T>A on transcript NM_000257.4 (MANE Select); coding-DNA position 3200, T replaced by A.
Protein change: p.Met1067Lys; replaces methionine 1067 with lysine.
Molecular consequence: missense variant.
Genome position (GRCh38, 1-based): chr14:23,422,225, A>T on the plus strand (T>A on the coding strand, the complement: MYH7 is on the minus strand). VCF-style: chr14-23422225-A-T. GRCh37 (hg19) VCF-style: chr14-23891434-A-T.
Other names: c.3200T>A, p.Met1067Lys (NM_001407004.1); short protein forms M1067K.
Identifiers: ClinVar variation 3636023 (VCV003636023.2).